The following is an entry in ClinVar:

ClinVar aggregate classification (germline): Pathogenic/Likely pathogenic. Review status: criteria provided, multiple submitters, no conflicts (2 of 4 stars). 2 submissions from 2 submitters: Pathogenic (1); Likely pathogenic (1). Last evaluated 2024-04-05.

Conditions:
BAP1-related tumor predisposition syndrome (TPDS1). Also called: BAP1 tumor predisposition syndrome; TUMOR PREDISPOSITION SYNDROME 1; Tumor susceptibility linked to germline BAP1 mutations; COMMON Syndrome. Identifiers: Orphanet 289539, MedGen C3280492, MONDO:0013692, OMIM 614327.
Hereditary cancer-predisposing syndrome. Also called: Tumor predisposition; Hereditary neoplastic syndrome; Neoplastic Syndromes, Hereditary; Hereditary Cancer Syndrome. Identifiers: Orphanet 140162, MedGen C0027672, MeSH D009386, MONDO:0015356.

Submissions (2):

Ambry Genetics
Classification: Pathogenic for Hereditary cancer-predisposing syndrome. Last evaluated: 2024-04-05. Review status: criteria provided, single submitter. Criteria: Ambry Variant Classification Scheme 2023. Collection method: clinical testing. Allele origin: germline.
Comment: The p.S395* pathogenic mutation (also known as c.1184C>G), located in coding exon 12 of the BAP1 gene, results from a C to G substitution at nucleotide position 1184. This changes the amino acid from a serine to a stop codon within coding exon 12. This alteration is expected to result in loss of function by premature protein truncation or nonsense-mediated mRNA decay. This variant is considered to be rare based on population cohorts in the Genome Aggregation Database (gnomAD). As such, this alteration is interpreted as a disease-causing mutation.

Institute of Human Genetics, University of Leipzig Medical Center
Classification: Likely pathogenic for BAP1-related tumor predisposition syndrome. Last evaluated: 2023-05-30. Review status: criteria provided, single submitter. Criteria: ACMG Guidelines, 2015. Collection method: clinical testing. Allele origin: unknown. Inheritance: Autosomal dominant inheritance. Affected: yes.
Comment: Criteria applied: PVS1,PM2_SUP

NM_004656.4(BAP1):c.1184C>G (p.Ser395Ter)

Gene: BAP1 (BRCA1 associated deubiquitinase 1; minus strand). Cytogenetic location: 3p21.1.
Variant type: single nucleotide variant.
Coding change: c.1184C>G on transcript NM_004656.4 (MANE Select); coding-DNA position 1184, C replaced by G.
Protein change: p.Ser395Ter; replaces serine 395 with a stop codon.
Molecular consequence: nonsense.
Genome position (GRCh38, 1-based): chr3:52,404,519, G>C on the plus strand (C>G on the coding strand, the complement: BAP1 is on the minus strand). VCF-style: chr3-52404519-G-C. GRCh37 (hg19) VCF-style: chr3-52438535-G-C.
Other names: c.1130C>G, p.Ser377Ter (NM_001410772.1); short protein forms S377*, S395*.
Identifiers: ClinVar variation 2576551 (VCV002576551.3), dbSNP rs2153226861, ClinGen allele CA353103137.